The following is an entry in ClinVar:

ClinVar aggregate classification (germline): Uncertain significance. Review status: criteria provided, multiple submitters, no conflicts (2 of 4 stars). 3 submissions from 3 submitters: Uncertain significance (2). 1 of the submissions does not count toward it. Last evaluated 2021-12-24.

Conditions:
Inborn genetic diseases. Identifiers: MedGen C0950123, MeSH D030342.
Neuronal ceroid lipofuscinosis 1 (CLN1). Also called: CEROID LIPOFUSCINOSIS, NEURONAL, 1, VARIABLE AGE AT ONSET; PPT1-Related Neuronal Ceroid-Lipofuscinosis. Identifiers: Orphanet 228329, MedGen C1850451, MONDO:0009744, OMIM 256730.

Allele frequency attached by ClinVar (database versions not stated): gnomAD exomes 0.00001 and 0.00004; ExAC 0.00002; gnomAD 0.00002 and 0.00003; TOPMed 0.00004.
gnomAD v4.1: 26 of 1,613,872 alleles (0.0016%); highest among the groups gnomAD compares: East Asian, 0.031%; no homozygotes.

Submissions (3):

Labcorp Genetics (formerly Invitae), Labcorp
Classification: Uncertain significance for Neuronal ceroid lipofuscinosis 1. Last evaluated: 2021-12-24. Review status: criteria provided, single submitter. Criteria: Invitae Variant Classification Sherloc (09022015). Collection method: clinical testing. Allele origin: germline.
Comment: This sequence change replaces arginine, which is basic and polar, with histidine, which is basic and polar, at codon 268 of the PPT1 protein (p.Arg268His). This variant is present in population databases (rs763536047, gnomAD 0.06%). This variant has not been reported in the literature in individuals affected with PPT1-related conditions. ClinVar contains an entry for this variant (Variation ID: 588549). Advanced modeling of protein sequence and biophysical properties (such as structural, functional, and spatial information, amino acid conservation, physicochemical variation, residue mobility, and thermodynamic stability) performed at Invitae indicates that this missense variant is expected to disrupt PPT1 protein function. In summary, the available evidence is currently insufficient to determine the role of this variant in disease. Therefore, it has been classified as a Variant of Uncertain Significance.

Ambry Genetics
Classification: Uncertain significance for Inborn genetic diseases. Last evaluated: 2016-12-14. Review status: criteria provided, single submitter. Criteria: Ambry Variant Classification Scheme 2023. Collection method: clinical testing. Allele origin: germline.
Comment: The p.R268H variant (also known as c.803G>A), located in coding exon 9 of the PPT1 gene, results from a G to A substitution at nucleotide position 803. The arginine at codon 268 is replaced by histidine, an amino acid with highly similar properties. This amino acid position is well conserved in available vertebrate species. In addition, this alteration is predicted to be deleterious by in silico analysis. Since supporting evidence is limited at this time, the clinical significance of this variant remains unclear.

Natera, Inc.
Classification: Uncertain significance for Neuronal ceroid lipofuscinosis 1. Last evaluated: 2020-09-16. Review status: no assertion criteria provided. Collection method: clinical testing. Allele origin: germline. Not counted in ClinVar's aggregate classification.

NM_000310.4(PPT1):c.803G>A (p.Arg268His)

Gene: PPT1 (palmitoyl-protein thioesterase 1; minus strand). Cytogenetic location: 1p34.2.
Variant type: single nucleotide variant.
Coding change: c.803G>A on transcript NM_000310.4 (MANE Select); coding-DNA position 803, G replaced by A.
Protein change: p.Arg268His; replaces arginine 268 with histidine.
Molecular consequence: missense variant.
Genome position (GRCh38, 1-based): chr1:40,074,179, C>T on the plus strand (G>A on the coding strand, the complement: PPT1 is on the minus strand). VCF-style: chr1-40074179-C-T. GRCh37 (hg19) VCF-style: chr1-40539851-C-T.
Other names: c.494G>A, p.Arg165His (NM_001142604.2); c.731G>A, p.Arg244His (NM_001363695.2); short protein forms R268H, R165H, R244H.
Identifiers: ClinVar variation 588549 (VCV000588549.9), dbSNP rs763536047, ClinGen allele CA789552.
Genomic context (GRCh38, chr1:40,074,179, plus strand): 5'-TCCCCTTCTGTAGCCAGAAACACTAGCTGTCCTGCATTGTCCATTTCCTTTAGCCCCAGG[C>T]GGTCCTGCAGAAGGAAAGGCCATAATTAATTAAAAAGCTTAATGAAGTTTTGGAGTAAAA-3'
Protein context (NP_000301.1, residues 258-278): LQETSLYTQD[Arg268His]LGLKEMDNAG